The following is an entry in ClinVar:

NM_000219.6(KCNE1):c.285C>A (p.Val95=)

Gene: KCNE1 (potassium voltage-gated channel subfamily E regulatory subunit 1; minus strand). Cytogenetic location: 21q22.12.
Variant type: single nucleotide variant.
Coding change: c.285C>A on transcript NM_000219.6 (MANE Select); coding-DNA position 285, C replaced by A.
Protein change: p.Val95=; no amino-acid change (valine 95 retained).
Molecular consequence: synonymous variant.
Genome position (GRCh38, 1-based): chr21:34,449,350, G>T on the plus strand (C>A on the coding strand, the complement: KCNE1 is on the minus strand). VCF-style: chr21-34449350-G-T. GRCh37 (hg19) VCF-style: chr21-35821648-G-T.
Other names: c.285C>A, p.Val95= (NM_001127668.4, NM_001127669.4, NM_001127670.4 and 4 more transcripts).
Identifiers: ClinVar variation 3374533 (VCV003374533.2).
Genomic context (GRCh38, chr21:34,449,350, plus strand): 5'-TATGGCCAGATGGTTTTCAACGACATAGCACGACCTGTAGCTCTCCAGGACCCGGGCCTG[G>T]ACATAGGCCTTGTCCTTCTCTTGCCAGGCATCGGACTCGATGTAGACGTTGAATGGGTCG-3'
Protein context (NP_000210.2, residues 85-105): DAWQEKDKAY[Val95=]QARVLESYRS

Conditions:
Long QT syndrome 5 (LQT5). Identifiers: Orphanet 101016, Orphanet 768, MedGen C1867904, MONDO:0013372, OMIM 613695.

Submission:

Roden Lab, Vanderbilt University Medical Center
No classification provided (evidence only). Condition: Long QT syndrome 5. Review status: no classification provided. Collection method: in vitro. Allele origin: not applicable. Functional consequence: Effect on ion channel function.
ClinVar note: "not provided" was previously submitted as the classification for the variant. However, the classification appeared to be based only on an observation of functional data so it was converted to no classification on 2025-07-30.